The following is an entry in ClinVar:

NM_004944.4(DNASE1L3):c.141+5G>C

Gene: DNASE1L3 (deoxyribonuclease 1L3; minus strand). Cytogenetic location: 3p14.3.
Variant type: single nucleotide variant.
Coding change: c.141+5G>C on transcript NM_004944.4 (MANE Select); 5 bases into the intron after coding-DNA position 141, G replaced by C.
Molecular consequence: intron variant.
Genome position (GRCh38, 1-based): chr3:58,210,761, C>G on the plus strand (G>C on the coding strand, the complement: DNASE1L3 is on the minus strand). VCF-style: chr3-58210761-C-G. GRCh37 (hg19) VCF-style: chr3-58196488-C-G.
Other names: c.141+5G>C (NM_001256560.2).
Identifiers: ClinVar variation 1524586 (VCV001524586.6), dbSNP rs763685087, ClinGen allele CA2470122.

ClinVar aggregate classification (germline): Uncertain significance (1 of 4 stars; one submission).

Allele frequency attached by ClinVar (database versions not stated): gnomAD exomes below 0.00001; ExAC 0.00001.
gnomAD v4.1: 2 of 1,614,104 alleles (0.00012%); highest among the groups gnomAD compares: Non-Finnish European, 0.00017%; no homozygotes.

Submission:

Labcorp Genetics (formerly Invitae), Labcorp
Classification: Uncertain significance. Last evaluated: 2021-10-12. Review status: criteria provided, single submitter. Criteria: Invitae Variant Classification Sherloc (09022015). Collection method: clinical testing. Allele origin: germline.
Comment: This sequence change falls in intron 1 of the DNASE1L3 gene. It does not directly change the encoded amino acid sequence of the DNASE1L3 protein. It affects a nucleotide within the consensus splice site. This variant is present in population databases (rs763685087, ExAC 0.001%). This variant has not been reported in the literature in individuals affected with DNASE1L3-related conditions. Variants that disrupt the consensus splice site are a relatively common cause of aberrant splicing (PMID: 17576681, 9536098). Algorithms developed to predict the effect of sequence changes on RNA splicing suggest that this variant may disrupt the consensus splice site. In summary, the available evidence is currently insufficient to determine the role of this variant in disease. Therefore, it has been classified as a Variant of Uncertain Significance.

Literature cited by the submitters: PubMed 17576681; PubMed 9536098.